The following is an entry in ClinVar:

ClinVar aggregate classification (germline): Uncertain significance (1 of 4 stars; one submission).

Allele frequency attached by ClinVar (database versions not stated): ExAC 0.00001; gnomAD 0.00001; TOPMed 0.00002.

Submission:

Labcorp Genetics (formerly Invitae), Labcorp
Classification: Uncertain significance. Last evaluated: 2024-01-06. Review status: criteria provided, single submitter. Criteria: Invitae Variant Classification Sherloc (09022015). Collection method: clinical testing. Allele origin: germline.
Comment: This sequence change replaces valine, which is neutral and non-polar, with leucine, which is neutral and non-polar, at codon 488 of the IRF2BP2 protein (p.Val488Leu). This variant is present in population databases (rs778407158, gnomAD 0.007%). This variant has not been reported in the literature in individuals affected with IRF2BP2-related conditions. An algorithm developed to predict the effect of missense changes on protein structure and function (PolyPhen-2) suggests that this variant is likely to be disruptive. In summary, the available evidence is currently insufficient to determine the role of this variant in disease. Therefore, it has been classified as a Variant of Uncertain Significance.

NM_182972.3(IRF2BP2):c.1462G>C (p.Val488Leu)

Gene: IRF2BP2 (interferon regulatory factor 2 binding protein 2; minus strand). Cytogenetic location: 1q42.3.
Variant type: single nucleotide variant.
Coding change: c.1462G>C on transcript NM_182972.3 (MANE Select); coding-DNA position 1462, G replaced by C.
Protein change: p.Val488Leu; replaces valine 488 with leucine.
Molecular consequence: missense variant.
Genome position (GRCh38, 1-based): chr1:234,607,439, C>G on the plus strand (G>C on the coding strand, the complement: IRF2BP2 is on the minus strand). VCF-style: chr1-234607439-C-G. GRCh37 (hg19) VCF-style: chr1-234743185-C-G.
Other names: c.1414G>C, p.Val472Leu (NM_001077397.1); short protein forms V472L, V488L.
Identifiers: ClinVar variation 2805583 (VCV002805583.3), dbSNP rs778407158, ClinGen allele CA1461556.